The following is an entry in ClinVar:

NM_001430.5(EPAS1):c.1820T>A (p.Ile607Asn)

Gene: EPAS1 (endothelial PAS domain protein 1; plus strand). Cytogenetic location: 2p21.
Variant type: single nucleotide variant.
Coding change: c.1820T>A on transcript NM_001430.5 (MANE Select); coding-DNA position 1820, T replaced by A.
Protein change: p.Ile607Asn; replaces isoleucine 607 with asparagine.
Molecular consequence: missense variant.
Genome position (GRCh38, 1-based): chr2:46,380,492, T>A. VCF-style: chr2-46380492-T-A. GRCh37 (hg19) VCF-style: chr2-46607631-T-A.
Other names: short protein forms I607N.
Identifiers: ClinVar variation 3508984 (VCV003508984.1).

ClinVar aggregate classification (germline): Uncertain significance (1 of 4 stars; one submission).

Conditions:
Inborn genetic diseases. Identifiers: MedGen C0950123, MeSH D030342.

Submission:

Ambry Genetics
Classification: Uncertain significance for Inborn genetic diseases. Last evaluated: 2024-09-15. Review status: criteria provided, single submitter. Criteria: Ambry Variant Classification Scheme 2023. Collection method: clinical testing. Allele origin: germline.
Comment: The p.I607N variant (also known as c.1820T>A), located in coding exon 12 of the EPAS1 gene, results from a T to A substitution at nucleotide position 1820. The isoleucine at codon 607 is replaced by asparagine, an amino acid with dissimilar properties. This amino acid position is conserved. In addition, this alteration is predicted to be tolerated by in silico analysis. Based on the available evidence, the clinical significance of this variant remains unclear.